The following is an entry in ClinVar:

ClinVar aggregate classification (germline): Uncertain significance. Review status: criteria provided, multiple submitters, no conflicts (2 of 4 stars). 3 submissions from 3 submitters: Uncertain significance (2). 1 of the submissions does not count toward it. Last evaluated 2024-01-06.

Conditions:
Congenital microcephaly - severe encephalopathy - progressive cerebral atrophy syndrome. Also called: ASNS DEFICIENCY; Asparagine synthetase deficiency. Identifiers: Orphanet 391376, MedGen C3809971, MONDO:0014258, OMIM 615574.

Allele frequency attached by ClinVar (database versions not stated): gnomAD exomes below 0.00001; gnomAD 0.00001; TOPMed 0.00002.

Submissions (3):

Labcorp Genetics (formerly Invitae), Labcorp
Classification: Uncertain significance. Last evaluated: 2024-01-06. Review status: criteria provided, single submitter. Criteria: Invitae Variant Classification Sherloc (09022015). Collection method: clinical testing. Allele origin: germline.
Comment: This sequence change replaces alanine, which is neutral and non-polar, with serine, which is neutral and polar, at codon 31 of the ASNS protein (p.Ala31Ser). The frequency data for this variant in the population databases is considered unreliable, as metrics indicate poor data quality at this position in the gnomAD database. This variant has not been reported in the literature in individuals affected with ASNS-related conditions. ClinVar contains an entry for this variant (Variation ID: 1216009). Advanced modeling of protein sequence and biophysical properties (such as structural, functional, and spatial information, amino acid conservation, physicochemical variation, residue mobility, and thermodynamic stability) performed at Invitae indicates that this missense variant is not expected to disrupt ASNS protein function with a negative predictive value of 80%. In summary, the available evidence is currently insufficient to determine the role of this variant in disease. Therefore, it has been classified as a Variant of Uncertain Significance.

GeneDx
Classification: Uncertain significance. Last evaluated: 2019-10-11. Review status: criteria provided, single submitter. Criteria: GeneDx Variant Classification Process June 2021. Collection method: clinical testing. Allele origin: germline. Affected: yes.
Comment: Not observed at a significant frequency in large population cohorts (Lek et al., 2016); In silico analysis, which includes protein predictors and evolutionary conservation, supports that this variant does not alter protein structure/function; Has not been previously published as pathogenic or benign to our knowledge

Natera, Inc.
Classification: Uncertain significance for Asparagine synthetase deficiency. Last evaluated: 2021-05-26. Review status: no assertion criteria provided. Collection method: clinical testing. Allele origin: germline. Not counted in ClinVar's aggregate classification.

NM_001673.5(ASNS):c.91G>T (p.Ala31Ser)

Genes: ASNS (asparagine synthetase (glutamine-hydrolyzing); minus strand), CZ1P-ASNS (CZ1P-ASNS readthrough; minus strand). Cytogenetic location: 7q21.3.
Variant type: single nucleotide variant.
Coding change: c.91G>T on transcript NM_001673.5 (MANE Select); coding-DNA position 91, G replaced by T.
Protein change: p.Ala31Ser; replaces alanine 31 with serine.
Molecular consequence: missense variant. On other transcripts: non-coding transcript variant (1), intron variant (2).
Genome position (GRCh38, 1-based): chr7:97,869,066, C>A on the plus strand (G>T on the coding strand, the complement: ASNS is on the minus strand). VCF-style: chr7-97869066-C-A. GRCh37 (hg19) VCF-style: chr7-97498378-C-A.
Other names: c.28G>T, p.Ala10Ser (NM_001178075.2); c.91G>T, p.Ala31Ser (NM_001352496.2, NM_133436.3, NM_183356.4); c.-1+3285G>T (NM_001178076.2); c.-1+2975G>T (NM_001178077.1); short protein forms A10S, A31S.
Identifiers: ClinVar variation 1216009 (VCV001216009.8), dbSNP rs1461068861, ClinGen allele CA368274131.